The following is an entry in ClinVar:

NM_001369.3(DNAH5):c.1528A>G (p.Lys510Glu)

Gene: DNAH5 (dynein axonemal heavy chain 5; minus strand). Cytogenetic location: 5p15.2.
Variant type: single nucleotide variant.
Coding change: c.1528A>G on transcript NM_001369.3 (MANE Select); coding-DNA position 1528, A replaced by G.
Protein change: p.Lys510Glu; replaces lysine 510 with glutamic acid.
Molecular consequence: missense variant.
Genome position (GRCh38, 1-based): chr5:13,913,751, T>C on the plus strand (A>G on the coding strand, the complement: DNAH5 is on the minus strand). VCF-style: chr5-13913751-T-C. GRCh37 (hg19) VCF-style: chr5-13913860-T-C.
Other names: short protein forms K510E.
Identifiers: ClinVar variation 2039579 (VCV002039579.1), dbSNP rs1776307720, ClinGen allele CA359213266.

ClinVar aggregate classification (germline): Uncertain significance (1 of 4 stars; one submission).

Conditions:
Primary ciliary dyskinesia. Also called: Ciliary dyskinesia. Identifiers: Orphanet 244, MedGen C0008780, MONDO:0016575, HP:0012265.

Allele frequency attached by ClinVar (database versions not stated): gnomAD exomes 0.00001; TOPMed 0.00001.
gnomAD v4.1: 4 of 1,613,462 alleles (0.00025%); highest among the groups gnomAD compares: Admixed American, 0.0033%; no homozygotes.

Submission:

Labcorp Genetics (formerly Invitae), Labcorp
Classification: Uncertain significance for Primary ciliary dyskinesia. Last evaluated: 2022-03-19. Review status: criteria provided, single submitter. Criteria: Invitae Variant Classification Sherloc (09022015). Collection method: clinical testing. Allele origin: germline.
Comment: This sequence change replaces lysine, which is basic and polar, with glutamic acid, which is acidic and polar, at codon 510 of the DNAH5 protein (p.Lys510Glu). This variant is not present in population databases (gnomAD no frequency). This variant has not been reported in the literature in individuals affected with DNAH5-related conditions. Advanced modeling of protein sequence and biophysical properties (such as structural, functional, and spatial information, amino acid conservation, physicochemical variation, residue mobility, and thermodynamic stability) performed at Invitae indicates that this missense variant is not expected to disrupt DNAH5 protein function. In summary, the available evidence is currently insufficient to determine the role of this variant in disease. Therefore, it has been classified as a Variant of Uncertain Significance.